The following is an entry in ClinVar:

ClinVar aggregate classification (germline): Uncertain significance (1 of 4 stars; one submission).

Allele frequency attached by ClinVar (database versions not stated): gnomAD exomes below 0.00001; gnomAD 0.00001; ExAC 0.00002.
gnomAD v4.1: 7 of 1,614,080 alleles (0.00043%); highest among the groups gnomAD compares: East Asian, 0.0067%; no homozygotes.

Submission:

Ambry Genetics
Classification: Uncertain significance. Last evaluated: 2022-06-02. Review status: criteria provided, single submitter. Criteria: Ambry Variant Classification Scheme 2023. Collection method: clinical testing. Allele origin: germline.
Comment: The p.K2149E variant (also known as c.6445A>G), located in coding exon 12 of the ALPK2 gene, results from an A to G substitution at nucleotide position 6445. The lysine at codon 2149 is replaced by glutamic acid, an amino acid with similar properties. This amino acid position is conserved. In addition, this alteration is predicted to be tolerated by in silico analysis. Since supporting evidence is limited at this time, the clinical significance of this alteration remains unclear.

NM_052947.4(ALPK2):c.6445A>G (p.Lys2149Glu)

Gene: ALPK2 (alpha kinase 2; minus strand). Cytogenetic location: 18q21.31.
Variant type: single nucleotide variant.
Coding change: c.6445A>G on transcript NM_052947.4 (MANE Select); coding-DNA position 6445, A replaced by G.
Protein change: p.Lys2149Glu; replaces lysine 2149 with glutamic acid.
Molecular consequence: missense variant.
Genome position (GRCh38, 1-based): chr18:58,481,891, T>C on the plus strand (A>G on the coding strand, the complement: ALPK2 is on the minus strand). VCF-style: chr18-58481891-T-C. GRCh37 (hg19) VCF-style: chr18-56149123-T-C.
Other names: short protein forms K2149E.
Identifiers: ClinVar variation 1753567 (VCV001753567.2), dbSNP rs767948648, ClinGen allele CA8976152.